The following is an entry in ClinVar:

ClinVar aggregate classification (germline): Uncertain significance (1 of 4 stars; one submission).

Conditions:
UCP2-related disorder. Also called: UCP2-related condition.

gnomAD v4.1: 3 of 1,613,436 alleles (0.00019%); highest among the groups gnomAD compares: Admixed American, 0.005%; no homozygotes.

Submission:

PreventionGenetics, part of Exact Sciences
Classification: Uncertain significance for UCP2-related condition. Last evaluated: 2025-08-22. Review status: criteria provided, single submitter. Criteria: ACMG Guidelines, 2015. Collection method: clinical testing. Allele origin: germline.
Comment: The UCP2 c.173A>T variant is predicted to result in the amino acid substitution p.Gln58Leu. To our knowledge, this variant has not been reported in the literature. This variant is reported in 0.0058% of alleles in individuals of Latino descent in gnomAD. At this time, the clinical significance of this variant is uncertain due to the absence of conclusive functional and genetic evidence.

NM_003355.3(UCP2):c.173A>T (p.Gln58Leu)

Gene: UCP2 (uncoupling protein 2; minus strand). Cytogenetic location: 11q13.4.
Variant type: single nucleotide variant.
Coding change: c.173A>T on transcript NM_003355.3 (MANE Select); coding-DNA position 173, A replaced by T.
Protein change: p.Gln58Leu; replaces glutamine 58 with leucine.
Molecular consequence: missense variant.
Genome position (GRCh38, 1-based): chr11:73,978,050, T>A on the plus strand (A>T on the coding strand, the complement: UCP2 is on the minus strand). VCF-style: chr11-73978050-T-A. GRCh37 (hg19) VCF-style: chr11-73689095-T-A.
Other names: c.173A>T, p.Gln58Leu (NM_001381943.1, NM_001381944.1, NM_001381945.1 and 4 more transcripts); short protein forms Q58L.
Identifiers: ClinVar variation 4985759 (VCV004985759.1).